The following is an entry in ClinVar:

ClinVar aggregate classification (germline): Uncertain significance (1 of 4 stars; one submission).

Submission:

Ambry Genetics
Classification: Uncertain significance. Last evaluated: 2024-05-25. Review status: criteria provided, single submitter. Criteria: Ambry Variant Classification Scheme 2023. Collection method: clinical testing. Allele origin: germline.
Comment: The p.Y74F variant (also known as c.221A>T), located in coding exon 3 of the KIF1B gene, results from an A to T substitution at nucleotide position 221. The tyrosine at codon 74 is replaced by phenylalanine, an amino acid with highly similar properties. This amino acid position is conserved. In addition, the in silico prediction for this alteration is inconclusive. Based on the available evidence, the clinical significance of this variant remains unclear.

NM_001365951.3(KIF1B):c.221A>T (p.Tyr74Phe)

Gene: KIF1B (kinesin family member 1B; plus strand). Cytogenetic location: 1p36.22.
Variant type: single nucleotide variant.
Coding change: c.221A>T on transcript NM_001365951.3 (MANE Select); coding-DNA position 221, A replaced by T.
Protein change: p.Tyr74Phe; replaces tyrosine 74 with phenylalanine.
Molecular consequence: missense variant.
Genome position (GRCh38, 1-based): chr1:10,258,530, A>T. VCF-style: chr1-10258530-A-T. GRCh37 (hg19) VCF-style: chr1-10318588-A-T.
Other names: c.221A>T, p.Tyr74Phe (NM_001365952.1, NM_001365953.1, NM_015074.3 and 1 more transcripts); short protein forms Y74F.
Identifiers: ClinVar variation 3288465 (VCV003288465.1).